The following is an entry in ClinVar:

NM_001382567.1(STIM1):c.1634+2159A>T

Gene: STIM1 (stromal interaction molecule 1; plus strand). Cytogenetic location: 11p15.4.
Variant type: single nucleotide variant.
Coding change: c.1634+2159A>T on transcript NM_001382567.1 (MANE Select); 2159 bases into the intron after coding-DNA position 1634, A replaced by T.
Molecular consequence: intron variant. On other transcripts: missense variant (4).
Genome position (GRCh38, 1-based): chr11:4,088,702, A>T. VCF-style: chr11-4088702-A-T. GRCh37 (hg19) VCF-style: chr11-4109932-A-T.
Other names: c.1542A>T, p.Arg514Ser (NM_001277962.2); c.1320A>T, p.Arg440Ser (NM_001382578.1, NM_001382579.1); c.1053A>T, p.Arg351Ser (NM_001382580.1); c.1319+2159A>T (NM_001382575.1, NM_001382576.1, NM_001382577.1); c.1052+2159A>T (NM_001382581.1); c.1637+1841A>T (NM_001382566.1); c.1562+2159A>T (NM_001382568.1); c.1541+2159A>T (NM_003156.4); and 4 more; short protein forms R514S, R351S, R440S.
Identifiers: ClinVar variation 634572 (VCV000634572.5), dbSNP rs772759124, ClinGen allele CA5830571.

ClinVar aggregate classification (germline): Likely benign (1 of 4 stars; one submission).

Conditions:
Combined immunodeficiency due to STIM1 deficiency. Also called: STIM1 DEFICIENCY; IMMUNODEFICIENCY 10. Identifiers: Orphanet 169090, Orphanet 317430, MedGen C2748557, MONDO:0013008, OMIM 612783.

Allele frequency attached by ClinVar (database versions not stated): gnomAD 0.00002 and 0.00003; TOPMed 0.00002; gnomAD exomes 0.00003 and 0.00004; ExAC 0.00008.
gnomAD v4.1: 53 of 1,535,664 alleles (0.0035%); highest among the groups gnomAD compares: Middle Eastern, 0.12%; no homozygotes.

Submission:

Genomic Research Center, Shahid Beheshti University of Medical Sciences
Classification: Likely benign for Combined immunodeficiency due to STIM1 deficiency. Last evaluated: 2025-05-17. Review status: criteria provided, single submitter. Criteria: ACMG Guidelines, 2015. Collection method: clinical testing. Allele origin: inherited. Affected: yes. Observed: 1 variant allele.